The following is an entry in ClinVar:

NM_000455.5(STK11):c.919A>C (p.Ser307Arg)

Gene: STK11 (serine/threonine kinase 11; plus strand). Cytogenetic location: 19p13.3.
Variant type: single nucleotide variant.
Coding change: c.919A>C on transcript NM_000455.5 (MANE Select); coding-DNA position 919, A replaced by C.
Protein change: p.Ser307Arg; replaces serine 307 with arginine.
Molecular consequence: missense variant. On other transcripts: non-coding transcript variant (1).
Genome position (GRCh38, 1-based): chr19:1,222,005, A>C. VCF-style: chr19-1222005-A-C. GRCh37 (hg19) VCF-style: chr19-1222004-A-C.
Other names: c.919A>C, p.Ser307Arg (NM_001407255.1); short protein forms S307R.
Identifiers: ClinVar variation 3450574 (VCV003450574.1).

ClinVar aggregate classification (germline): Uncertain significance (1 of 4 stars; one submission).

Conditions:
Hereditary cancer-predisposing syndrome. Also called: Tumor predisposition; Neoplastic Syndromes, Hereditary; Hereditary neoplastic syndrome; Hereditary Cancer Syndrome. Identifiers: Orphanet 140162, MedGen C0027672, MeSH D009386, MONDO:0015356.

Submission:

Ambry Genetics
Classification: Uncertain significance for Hereditary cancer-predisposing syndrome. Last evaluated: 2024-08-24. Review status: criteria provided, single submitter. Criteria: Ambry Variant Classification Scheme 2023. Collection method: clinical testing. Allele origin: germline.
Comment: The p.S307R variant (also known as c.919A>C), located in coding exon 7 of the STK11 gene, results from an A to C substitution at nucleotide position 919. The serine at codon 307 is replaced by arginine, an amino acid with dissimilar properties. This amino acid position is conserved. In addition, this alteration is predicted to be tolerated by in silico analysis. Based on the available evidence, the clinical significance of this variant remains unclear.